The following is an entry in ClinVar:

ClinVar aggregate classification (germline): Uncertain significance (1 of 4 stars; one submission).

Conditions:
Baller-Gerold syndrome (BGS). Also called: CRANIOSYNOSTOSIS WITH RADIAL DEFECTS. Identifiers: Orphanet 1225, MedGen C0265308, MONDO:0009039, OMIM 218600.

Submission:

Labcorp Genetics (formerly Invitae), Labcorp
Classification: Uncertain significance for Baller-Gerold syndrome. Last evaluated: 2023-07-25. Review status: criteria provided, single submitter. Criteria: Invitae Variant Classification Sherloc (09022015). Collection method: clinical testing. Allele origin: germline.
Comment: This sequence change replaces proline, which is neutral and non-polar, with alanine, which is neutral and non-polar, at codon 781 of the RECQL4 protein (p.Pro781Ala). This variant is not present in population databases (gnomAD no frequency). This variant has not been reported in the literature in individuals affected with RECQL4-related conditions. Advanced modeling of protein sequence and biophysical properties (such as structural, functional, and spatial information, amino acid conservation, physicochemical variation, residue mobility, and thermodynamic stability) performed at Invitae indicates that this missense variant is not expected to disrupt RECQL4 protein function. In summary, the available evidence is currently insufficient to determine the role of this variant in disease. Therefore, it has been classified as a Variant of Uncertain Significance.

NM_004260.4(RECQL4):c.2341C>G (p.Pro781Ala)

Gene: RECQL4 (RecQ like helicase 4; minus strand). Cytogenetic location: 8q24.3.
Variant type: single nucleotide variant.
Coding change: c.2341C>G on transcript NM_004260.4 (MANE Select); coding-DNA position 2341, C replaced by G.
Protein change: p.Pro781Ala; replaces proline 781 with alanine.
Molecular consequence: missense variant. On other transcripts: non-coding transcript variant (3), intron variant (3).
Genome position (GRCh38, 1-based): chr8:144,513,340, G>C on the plus strand (C>G on the coding strand, the complement: RECQL4 is on the minus strand). VCF-style: chr8-144513340-G-C. GRCh37 (hg19) VCF-style: chr8-145738723-G-C.
Other names: c.2341C>G, p.Pro781Ala (NM_001413019.1, NM_001413036.1); c.2245C>G, p.Pro749Ala (NM_001413020.1); c.1270C>G, p.Pro424Ala (NM_001413021.1, NM_001413022.1, NM_001413023.1 and 5 more transcripts); c.2212C>G, p.Pro738Ala (NM_001413025.1); c.1204C>G, p.Pro402Ala (NM_001413027.1, NM_001413030.1, NM_001413032.1 and 1 more transcripts); c.1990C>G, p.Pro664Ala (NM_001413029.1); c.1072C>G, p.Pro358Ala (NM_001413031.1); c.2209C>G, p.Pro737Ala (NM_001413033.1); and 7 more; short protein forms P292A, P424A, P358A, P738A, P781A, P380A, P402A, P414A.
Identifiers: ClinVar variation 2746296 (VCV002746296.3), dbSNP rs1490845255, ClinGen allele CA372678318.